The following is an entry in ClinVar:

NM_020987.5(ANK3):c.1442T>C (p.Val481Ala)

Gene: ANK3 (ankyrin 3; minus strand). Cytogenetic location: 10q21.2.
Variant type: single nucleotide variant.
Coding change: c.1442T>C on transcript NM_020987.5 (MANE Select); coding-DNA position 1442, T replaced by C.
Protein change: p.Val481Ala; replaces valine 481 with alanine.
Molecular consequence: missense variant.
Genome position (GRCh38, 1-based): chr10:60,200,178, A>G on the plus strand (T>C on the coding strand, the complement: ANK3 is on the minus strand). VCF-style: chr10-60200178-A-G. GRCh37 (hg19) VCF-style: chr10-61959936-A-G.
Other names: c.1424T>C, p.Val475Ala (NM_001204403.2); c.1391T>C, p.Val464Ala (NM_001204404.2); c.1442T>C, p.Val481Ala (NM_001320874.2); short protein forms V464A, V475A, V481A.
Identifiers: ClinVar variation 4072636 (VCV004072636.1).

ClinVar aggregate classification (germline): Uncertain significance (1 of 4 stars; one submission).

Submission:

GeneDx
Classification: Uncertain significance. Last evaluated: 2025-01-30. Review status: criteria provided, single submitter. Criteria: GeneDx Variant Classification Process June 2021. Collection method: clinical testing. Allele origin: germline. Affected: yes.
Comment: Not observed at significant frequency in large population cohorts (gnomAD); In silico analysis supports that this missense variant has a deleterious effect on protein structure/function; Has not been previously published as pathogenic or benign to our knowledge